The following is an entry in ClinVar:

ClinVar aggregate classification (germline): Pathogenic (1 of 4 stars; one submission).

Conditions:
Progressive myoclonic epilepsy. Also called: Progressive myoclonus epilepsy; Familial progressive myoclonic epilepsy; Myoclonus epilepsy; Myoclonic Epilepsies, Progressive. Identifiers: Orphanet 308, Orphanet 98261, MedGen C0751778, MONDO:0020074.

Submission:

Labcorp Genetics (formerly Invitae), Labcorp
Classification: Pathogenic for Progressive myoclonic epilepsy. Last evaluated: 2022-02-05. Review status: criteria provided, single submitter. Criteria: Invitae Variant Classification Sherloc (09022015). Collection method: clinical testing. Allele origin: germline.
Comment: For these reasons, this variant has been classified as Pathogenic. This variant has not been reported in the literature in individuals affected with GOSR2-related conditions. A gross deletion of the genomic region encompassing the full coding sequence of the GOSR2 gene has been identified. Loss-of-function variants in GOSR2 are known to be pathogenic (PMID: 21549339). The boundaries of this event are unknown as they extend beyond the assayed region for this gene and therefore may encompass additional genes.

Literature cited by the submitters: PubMed 21549339.

NC_000017.10:g.(?_44845686)_(45016126_?)del

Genes: GOSR2 (golgi SNAP receptor complex member 2; plus strand), WNT3 (Wnt family member 3; minus strand), WNT9B (Wnt family member 9B; plus strand). Cytogenetic location: 17q21.31-21.32.
Variant type: Deletion.
Identifiers: ClinVar variation 1458379 (VCV001458379.6).